The following is an entry in ClinVar:

ClinVar aggregate classification (germline): Uncertain significance. Review status: criteria provided, multiple submitters, no conflicts (2 of 4 stars). 2 submissions from 2 submitters: Uncertain significance (2). Last evaluated 2024-03-07.

Conditions:
Christianson syndrome (MRXSCH). Also called: INTELLECTUAL DEVELOPMENTAL DISORDER, X-LINKED, SYNDROMIC, CHRISTIANSON TYPE; X-linked mental retardation, syndromic, Christianson type; SLC9A6-Related Syndromic Mental Retardation. Identifiers: Orphanet 85278, MedGen C2678194, MONDO:0010278, OMIM 300243.

Allele frequency attached by ClinVar (database versions not stated): ExAC 0.00001; gnomAD exomes 0.00001; ESP Exome Variant Server 0.00009.

Submissions (2):

Labcorp Genetics (formerly Invitae), Labcorp
Classification: Uncertain significance for Christianson syndrome. Last evaluated: 2024-03-07. Review status: criteria provided, single submitter. Criteria: Invitae Variant Classification Sherloc (09022015). Collection method: clinical testing. Allele origin: germline.
Comment: This sequence change replaces arginine, which is basic and polar, with tryptophan, which is neutral and slightly polar, at codon 570 of the SLC9A6 protein (p.Arg570Trp). This variant is not present in population databases (gnomAD no frequency). This variant has not been reported in the literature in individuals affected with SLC9A6-related conditions. ClinVar contains an entry for this variant (Variation ID: 1215775). Advanced modeling of protein sequence and biophysical properties (such as structural, functional, and spatial information, amino acid conservation, physicochemical variation, residue mobility, and thermodynamic stability) has been performed at Invitae for this missense variant, however the output from this modeling did not meet the statistical confidence thresholds required to predict the impact of this variant on SLC9A6 protein function. In summary, the available evidence is currently insufficient to determine the role of this variant in disease. Therefore, it has been classified as a Variant of Uncertain Significance.

GeneDx
Classification: Uncertain significance. Last evaluated: 2019-12-09. Review status: criteria provided, single submitter. Criteria: GeneDx Variant Classification Process June 2021. Collection method: clinical testing. Allele origin: germline. Affected: yes.
Comment: Has not been previously published as pathogenic or benign to our knowledge; Not observed at a significant frequency in large population cohorts (Lek et al., 2016); In silico analysis, which includes protein predictors and evolutionary conservation, supports a deleterious effect

NM_001379110.1(SLC9A6):c.1738A>T (p.Arg580Trp)

Gene: SLC9A6 (solute carrier family 9 member A6; plus strand). Cytogenetic location: Xq26.3.
Variant type: single nucleotide variant.
Coding change: c.1738A>T on transcript NM_001379110.1 (MANE Select); coding-DNA position 1738, A replaced by T.
Protein change: p.Arg580Trp; replaces arginine 580 with tryptophan.
Molecular consequence: missense variant.
Genome position (GRCh38, 1-based): chrX:136,040,152, A>T. VCF-style: chrX-136040152-A-T. GRCh37 (hg19) VCF-style: chrX-135122311-A-T.
Other names: c.1804A>T, p.Arg602Trp (NM_001042537.2); c.1648A>T, p.Arg550Trp (NM_001177651.2); c.1552A>T, p.Arg518Trp (NM_001330652.2); c.1708A>T, p.Arg570Trp (NM_006359.3); short protein forms R518W, R550W, R570W, R580W, R602W.
Identifiers: ClinVar variation 1215775 (VCV001215775.8), dbSNP rs144661402, ClinGen allele CA10524859.